The following is an entry in ClinVar:

ClinVar aggregate classification (germline): Pathogenic/Likely pathogenic. Review status: criteria provided, multiple submitters, no conflicts (2 of 4 stars). 7 submissions from 7 submitters: Pathogenic (4); Likely pathogenic (2). 1 of the submissions does not count toward it. Last evaluated 2025-11-21.

Conditions:
Hereditary cancer-predisposing syndrome. Also called: Neoplastic Syndromes, Hereditary; Hereditary Cancer Syndrome; Tumor predisposition; Hereditary neoplastic syndrome. Identifiers: Orphanet 140162, MedGen C0027672, MeSH D009386, MONDO:0015356.
Familial cancer of breast. Also called: Hereditary breast cancer; BREAST CANCER, FAMILIAL; hereditary breast carcinoma. Identifiers: Orphanet 227535, MedGen C0346153, MONDO:0016419, OMIM 114480. Disease mechanism: loss of function.
Ataxia-telangiectasia syndrome (AT). Also called: LOUIS-BAR SYNDROME; Cerebello-oculocutaneous telangiectasia; Immunodeficiency with ataxia telangiectasia; Ataxia-telangiectasia, complementation group D; AT, COMPLEMENTATION GROUP C; Ataxia-telangiectasia, complementation group E. Identifiers: Orphanet 100, MedGen C0004135, MONDO:0008840, OMIM 208900.

Submissions (7):

Ambry Genetics
Classification: Likely pathogenic for Hereditary cancer-predisposing syndrome. Last evaluated: 2025-11-21. Review status: criteria provided, single submitter. Criteria: Ambry Variant Classification Scheme 2023. Collection method: clinical testing. Allele origin: germline.
Comment: The c.7630-2A>G intronic variant results from an A to G substitution two nucleotides upstream from coding exon 51 in the ATM gene. This variant is considered to be rare based on population cohorts in the Genome Aggregation Database (gnomAD). This nucleotide position is highly conserved in available vertebrate species. In silico splice site analysis predicts that this alteration will weaken the native splice acceptor site and may result in the creation or strengthening of a novel splice acceptor site. RNA studies have demonstrated that this alteration results in abnormal splicing in the set of samples tested (Ambry internal data). Alterations that disrupt the canonical splice site are expected to cause aberrant splicing, resulting in an abnormal protein or a transcript that is subject to nonsense-mediated mRNA decay. As such, this alteration is classified as likely pathogenic.

Labcorp Genetics (formerly Invitae), Labcorp
Classification: Pathogenic for Ataxia-telangiectasia syndrome. Last evaluated: 2025-10-25. Review status: criteria provided, single submitter. Criteria: Invitae Variant Classification Sherloc (09022015). Collection method: clinical testing. Allele origin: germline.
Comment: This sequence change affects an acceptor splice site in intron 51 of the ATM gene. RNA analysis indicates that disruption of this splice site induces altered splicing and may result in an absent or altered protein product. This variant is not present in population databases (gnomAD no frequency). This variant has not been reported in the literature in individuals affected with ATM-related conditions. ClinVar contains an entry for this variant (Variation ID: 421623). Studies have shown that disruption of this splice site results in skipping of exon 52 and activation of a cryptic splice site, and produces a non-functional protein and/or introduces a premature termination codon (PMID: 9887333; internal data). For these reasons, this variant has been classified as Pathogenic.

Natera, Inc.
Classification: Pathogenic for Ataxia-telangiectasia. Last evaluated: 2025-09-25. Review status: criteria provided, single submitter. Criteria: Natera Variant Classification Schema (03/2026). Collection method: clinical testing. Allele origin: germline.
Comment: The c.7630-2A>G variant in ATM is a canonical splice acceptor site variant predicted to affect pre-mRNA splicing, which may result in an abnormal transcript and altered protein product. This variant is expected to result in nonsense mediated decay, truncation, or a dysfunctional protein product. This variant is rare in the general population with a frequency below the threshold expected for the associated phenotype(s). This variant has been observed in one or more individuals affected with the associated recessive disease, as either homozygous or compound heterozygous with a second variant (PMID: 38159274). Another variant at this same site results in an alteration predicted to cause a similar molecular effect has been observed in individual(s) with the associated phenotype. Given the available evidence, this variant is classified as Pathogenic.

Myriad Genetics, Inc.
Classification: Pathogenic for Familial cancer of breast. Last evaluated: 2024-02-02. Review status: criteria provided, single submitter. Criteria: Myriad Autosomal Dominant, Autosomal Recessive and X-Linked Classification Criteria (2023). Collection method: clinical testing. Allele origin: unknown.
Comment: This variant is considered pathogenic. This variant occurs within a consensus splice junction and is predicted to result in abnormal mRNA splicing of either an out-of-frame exon or an in-frame exon necessary for protein stability and/or normal function. This variant has been reported in multiple individuals with clinical features of gene-specific disease [PMID: 9443866, 9887333, 10330348]. Functional studies indicate this variant impacts protein function [PMID: 9443866, 9887333, 10330348].

GeneDx
Classification: Pathogenic. Last evaluated: 2023-07-12. Review status: criteria provided, single submitter. Criteria: GeneDx Variant Classification Process June 2021. Collection method: clinical testing. Allele origin: germline. Affected: yes.
Comment: Canonical splice site variant predicted to result in an in-frame loss of the adjacent exon and disrupt the critical FAT domain (UniProt) in a gene for which loss of function is a known mechanism of disease; Not observed at significant frequency in large population cohorts (gnomAD); Has not been previously published as pathogenic or benign to our knowledge; This variant is associated with the following publications: (PMID: 21833744, 9443866, 9887333, 23807571, 25374739, 25614872)

Women's Health and Genetics/Laboratory Corporation of America, LabCorp
Classification: Likely pathogenic for Ataxia-telangiectasia syndrome. Last evaluated: 2022-07-18. Review status: criteria provided, single submitter. Criteria: LabCorp Variant Classification Summary - May 2015. Collection method: clinical testing. Allele origin: germline.
Comment: Variant summary: ATM c.7630-2A>G is located in a canonical splice-site and is predicted to affect mRNA splicing resulting in a significantly altered protein due to either exon skipping, shortening, or inclusion of intronic material. Several computational tools predict a significant impact on normal splicing: Four predict the variant abolishes a 3 acceptor site. However, these predictions have yet to be confirmed by functional studies. The variant was absent in 251132 control chromosomes (gnomAD). To our knowledge, no occurrence of c.7630-2A>G in individuals affected with Ataxia-Telangiectasia and no experimental evidence demonstrating its impact on protein function have been reported. Four ClinVar submitters (evaluation after 2014) cite the variant as pathogenic (n=2) and likely pathogenic (n=2). Based on the evidence outlined above, the variant was classified as likely pathogenic.

Counsyl
Classification: Likely pathogenic for Ataxia-telangiectasia syndrome. Last evaluated: 2017-12-12. Review status: no assertion criteria provided. Collection method: clinical testing. Allele origin: unknown. Not counted in ClinVar's aggregate classification.

Literature cited by the submitters: PubMed 9887333 (cited by Labcorp Genetics (formerly Invitae), Labcorp and Myriad Genetics, Inc.); PubMed 38159274 (cited by Natera, Inc.); PubMed 9443866 (cited by Myriad Genetics, Inc.); PubMed 10330348 (cited by Myriad Genetics, Inc.).

NM_000051.4(ATM):c.7630-2A>G

Genes: ATM (ATM serine/threonine kinase; plus strand), C11orf65 (chromosome 11 open reading frame 65; minus strand). Cytogenetic location: 11q22.3.
Variant type: single nucleotide variant.
Coding change: c.7630-2A>G on transcript NM_000051.4 (MANE Select); the canonical splice acceptor site of the intron before coding-DNA position 7630, A replaced by G.
Molecular consequence: splice acceptor variant. On other transcripts: intron variant (2).
Genome position (GRCh38, 1-based): chr11:108,331,877, A>G. VCF-style: chr11-108331877-A-G. GRCh37 (hg19) VCF-style: chr11-108202604-A-G.
Other names: c.7630-2A>G (NM_001351834.2); c.641-22806T>C (NM_001330368.2); c.*38+3343T>C (NM_001351110.2).
Identifiers: ClinVar variation 421623 (VCV000421623.22), dbSNP rs587779866, ClinGen allele CA16619236.
Genomic context (GRCh38, chr11:108,331,877, plus strand): 5'-TGAAAAATATGGATTATATTTTTTTGTTTATTTGCATAAATCTAATAGTTCTTTTCTTAC[A>G]GCTAATCTCTAGAATTTCAATGGATCACCCCCATCACACTTTGTTTATTATACTGGCCTT-3'